The following is an entry in ClinVar:

ClinVar aggregate classification (germline): Conflicting classifications of pathogenicity. Review status: criteria provided, conflicting classifications (1 of 4 stars). 3 submissions from 3 submitters: Uncertain significance (1); Likely benign (2). Last evaluated 2025-11-09.

Conditions:
SLC35A2-congenital disorder of glycosylation. Also called: CONGENITAL DISORDER OF GLYCOSYLATION, TYPE IIm, SOMATIC MOSAIC; CONGENITAL DISORDER OF GLYCOSYLATION, TYPE IIm; EPILEPTIC ENCEPHALOPATHY, EARLY INFANTILE, 22; SLC35A2-CDG; CDG IIm; DEVELOPMENTAL AND EPILEPTIC ENCEPHALOPATHY 22. Identifiers: Orphanet 356961, MedGen C3806688, MONDO:0010478, OMIM 300896.

Allele frequency attached by ClinVar (database versions not stated): gnomAD 0.00001; TOPMed 0.00001; gnomAD exomes 0.00002.
gnomAD v4.1: 20 of 1,201,328 alleles (0.0017%); highest among the groups gnomAD compares: South Asian, 0.016%; no homozygotes.

Submissions (4):

Labcorp Genetics (formerly Invitae), Labcorp
Classification: Likely benign for SLC35A2-congenital disorder of glycosylation. Last evaluated: 2025-11-09. Review status: criteria provided, single submitter. Criteria: Invitae Variant Classification Sherloc (09022015). Collection method: clinical testing. Allele origin: germline.

Victorian Clinical Genetics Services, Murdoch Childrens Research Institute
Classification: Likely benign for SLC35A2-congenital disorder of glycosylation. Last evaluated: 2019-08-28. Review status: criteria provided, single submitter. Criteria: ACMG Guidelines, 2015. Collection method: clinical testing. Allele origin: germline.
Comment: A heterozygous splice-site variant, NM_001042498.2(SLC35A2):c.274+5G>A, has been identified in intron 2 of 3 of the SLC35A2 gene. The conservation of this nucleotide was high (UCSC, Phylop), and in silico tools consistently predict this variant to affect splicing (Human splicing Finder, Fruit fly, Netgene2). The effect of this variant on the protein sequence is unknown. The variant is present in the gnomAD database at a frequency of 0.00181% (3 heterozygotes, 0 hemizygotes). The variant has been previously described as a VUS in a clinical testing setting (ClinVar). Based on the information available at the time of curation, this variant has been classified as LIKELY BENIGN.

GeneDx
Classification: Uncertain significance. Last evaluated: 2018-01-31. Review status: criteria provided, single submitter. Criteria: GeneDx Variant Classification (06012015). Collection method: clinical testing. Allele origin: germline. Affected: yes.
Comment: The c.274+5G>A variant in the SLC35A2 gene has not been reported previously as a pathogenic variant nor as a benign variant, to our knowledge. This variant reduces the quality of the splice donor site in intron 2, and is expected to cause abnormal gene splicing. The c.274+5G>A variant is not observed in large population cohorts (Lek et al., 2016). We interpret c.274+5G>A as a variant of uncertain significance.

Dr. Peter K. Rogan Lab, Western University
No classification provided (evidence only). Condition: Lung cancer. Review status: no classification provided. Collection method: in vitro. Allele origin: not applicable. Functional consequence: skipped exon, retained intron. Not counted in ClinVar's aggregate classification.

NM_005660.3(SLC35A2):c.274+5G>A

Gene: SLC35A2 (solute carrier family 35 member A2; minus strand). Cytogenetic location: Xp11.23.
Variant type: single nucleotide variant.
Coding change: c.274+5G>A on transcript NM_005660.3 (MANE Select); 5 bases into the intron after coding-DNA position 274, G replaced by A.
Molecular consequence: intron variant.
Genome position (GRCh38, 1-based): chrX:48,909,809, C>T on the plus strand (G>A on the coding strand, the complement: SLC35A2 is on the minus strand). VCF-style: chrX-48909809-C-T. GRCh37 (hg19) VCF-style: chrX-48767086-C-T.
Other names: c.91+1737G>A (NM_001282649.2); c.274+5G>A (NM_001282647.2, NM_001042498.3, NM_001032289.3); c.358+5G>A (NM_001282651.2); c.313+5G>A (NM_001282650.2); c.202+5G>A (NM_001282648.2).
Identifiers: ClinVar variation 412238 (VCV000412238.14), dbSNP rs1060503677, ClinGen allele CA16616697.